The following is an entry in ClinVar:

ClinVar aggregate classification (germline): Uncertain significance. Review status: criteria provided, multiple submitters, no conflicts (2 of 4 stars). 8 submissions from 8 submitters: Uncertain significance (7). 1 of the submissions does not count toward it. Last evaluated 2025-10-14.

Conditions:
Fanconi anemia complementation group C (FANCC). Also called: FANCC-Related Fanconi Anemia; FANCONI PANCYTOPENIA, TYPE 3; FACC; Fanconi anemia, group C. Identifiers: Orphanet 84, MedGen C3468041, MONDO:0009213, OMIM 227645.
Hereditary cancer-predisposing syndrome. Also called: Neoplastic Syndromes, Hereditary; Hereditary Cancer Syndrome; Tumor predisposition; Hereditary neoplastic syndrome. Identifiers: Orphanet 140162, MedGen C0027672, MeSH D009386, MONDO:0015356.
Fanconi anemia (FA). Also called: Fanconi's anemia. Identifiers: Orphanet 84, MedGen C0015625, MeSH D005199, MONDO:0019391.

Allele frequency attached by ClinVar (database versions not stated): gnomAD 0.00001; gnomAD exomes 0.00001 and 0.00002; ExAC 0.00002; TOPMed 0.00002.
gnomAD v4.1: 12 of 1,614,044 alleles (0.00074%); highest among the groups gnomAD compares: Admixed American, 0.0033%; no homozygotes.

Submissions (8):

Labcorp Genetics (formerly Invitae), Labcorp
Classification: Uncertain significance for Fanconi anemia. Last evaluated: 2025-10-14. Review status: criteria provided, single submitter. Criteria: Invitae Variant Classification Sherloc (09022015). Collection method: clinical testing. Allele origin: germline.
Comment: This sequence change replaces isoleucine, which is neutral and non-polar, with threonine, which is neutral and polar, at codon 191 of the FANCC protein (p.Ile191Thr). This variant is present in population databases (rs767302089, gnomAD 0.006%). This variant has not been reported in the literature in individuals affected with FANCC-related conditions. ClinVar contains an entry for this variant (Variation ID: 572599). Invitae Evidence Modeling of protein sequence and biophysical properties (such as structural, functional, and spatial information, amino acid conservation, physicochemical variation, residue mobility, and thermodynamic stability) indicates that this missense variant is not expected to disrupt FANCC protein function with a negative predictive value of 80%. In summary, the available evidence is currently insufficient to determine the role of this variant in disease. Therefore, it has been classified as a Variant of Uncertain Significance.

Ambry Genetics
Classification: Uncertain significance for Hereditary cancer-predisposing syndrome. Last evaluated: 2025-04-19. Review status: criteria provided, single submitter. Criteria: Ambry Variant Classification Scheme 2023. Collection method: clinical testing. Allele origin: germline.
Comment: The p.I191T variant (also known as c.572T>C), located in coding exon 6 of the FANCC gene, results from a T to C substitution at nucleotide position 572. The isoleucine at codon 191 is replaced by threonine, an amino acid with similar properties. This amino acid position is poorly conserved in available vertebrate species. In addition, this alteration is predicted to be tolerated by in silico analysis. Since supporting evidence is limited at this time, the clinical significance of this alteration remains unclear.

Quest Diagnostics Nichols Institute San Juan Capistrano
Classification: Uncertain significance. Last evaluated: 2024-07-16. Review status: criteria provided, single submitter. Criteria: Quest Diagnostics criteria. Collection method: clinical testing. Allele origin: unknown.
Comment: The FANCC c.572T>C (p.Ile191Thr) variant has not been reported in individuals with FANCC-related conditions in the published literature. The frequency of this variant in the general population, 0.000026 (3/113672 chromosomes (Genome Aggregation Database)), is uninformative in the assessment of its pathogenicity. Analysis of this variant using bioinformatics tools for the prediction of the effect of amino acid changes on protein structure and function yielded predictions that this variant is benign. Based on the available information, we are unable to determine the clinical significance of this variant.

GeneDx
Classification: Uncertain significance. Last evaluated: 2024-02-05. Review status: criteria provided, single submitter. Criteria: GeneDx Variant Classification Process June 2021. Collection method: clinical testing. Allele origin: germline. Affected: yes.
Comment: Not observed at significant frequency in large population cohorts (gnomAD); In silico analysis supports that this missense variant has a deleterious effect on protein structure/function; Has not been previously published as pathogenic or benign to our knowledge; This variant is associated with the following publications: (PMID: Gordon2000[Book])

Women's Health and Genetics/Laboratory Corporation of America, LabCorp
Classification: Uncertain significance. Last evaluated: 2022-12-10. Review status: criteria provided, single submitter. Criteria: LabCorp Variant Classification Summary - May 2015. Collection method: clinical testing. Allele origin: germline.

Sema4
Classification: Uncertain significance for Fanconi anemia. Last evaluated: 2022-02-13. Review status: criteria provided, single submitter. Criteria: Sema4 Curation Guidelines. Collection method: curation. Allele origin: germline.
Comment: The FANCC c.572T>C (p.I191T) variant has not been reported in the literature to our knowledge. It was observed in 5/251362 chromosomes across all populations in the large and broad cohorts in the Genome Aggregation Database (PMID: 32461654). The variant has been reported in ClinVar (Variation ID 572599). Functional studies have not been performed, and in silico predictions of the variant's effect on protein function are inconclusive. The evidence is insufficient to meet ACMG/AMP criteria for classifying the variant as benign or pathogenic. Thus, the clinical significance of this variant is currently uncertain.

Fulgent Genetics
Classification: Uncertain significance for Fanconi anemia complementation group C. Last evaluated: 2021-12-04. Review status: criteria provided, single submitter. Criteria: ACMG Guidelines, 2015. Collection method: clinical testing. Allele origin: unknown.

Natera, Inc.
Classification: Uncertain significance for Fanconi anemia, group C. Last evaluated: 2020-09-16. Review status: no assertion criteria provided. Collection method: clinical testing. Allele origin: germline. Not counted in ClinVar's aggregate classification.

NM_000136.3(FANCC):c.572T>C (p.Ile191Thr)

Genes: FANCC (FA complementation group C; minus strand), AOPEP (aminopeptidase O (putative); plus strand). Cytogenetic location: 9q22.32.
Variant type: single nucleotide variant.
Coding change: c.572T>C on transcript NM_000136.3 (MANE Select); coding-DNA position 572, T replaced by C.
Protein change: p.Ile191Thr; replaces isoleucine 191 with threonine.
Molecular consequence: missense variant.
Genome position (GRCh38, 1-based): chr9:95,150,037, A>G on the plus strand (T>C on the coding strand, the complement: FANCC is on the minus strand). VCF-style: chr9-95150037-A-G. GRCh37 (hg19) VCF-style: chr9-97912319-A-G.
Other names: c.572T>C, p.Ile191Thr (NM_001243743.2, NM_001243744.2); short protein forms I191T.
Identifiers: ClinVar variation 572599 (VCV000572599.19), dbSNP rs767302089, ClinGen allele CA5137689.